The following is an entry in ClinVar:

NM_001114753.3(ENG):c.1582_1583del (p.Pro528fs)

Genes: ENG (endoglin; minus strand), LOC102723566 (uncharacterized LOC102723566; plus strand). Cytogenetic location: 9q34.11.
Variant type: Deletion.
Coding change: c.1582_1583del on transcript NM_001114753.3 (MANE Select); coding-DNA positions 1582 to 1583, 2 bases deleted (CC; older notation c.1582_1583delCC).
Protein change: p.Pro528fs; shifts the reading frame from proline 528.
Molecular consequence: frameshift variant.
Genome position (GRCh38, 1-based): chr9:127,818,223-127,818,224, GG deleted on the plus strand (CC on the coding strand, the reverse complement: ENG is on the minus strand); deleting any 2 consecutive bases within chr9:127,818,223-127,818,225 gives the same sequence; the c. name uses the placement nearest the transcript's 3' end. VCF-style (leftmost placement, unchanged base first): chr9-127818222-CGG-C. GRCh37 (hg19) VCF-style: chr9-130580501-CGG-C.
Other names: c.1582_1583delCC (NM_000118.3); c.1581_1582delCC, p.Pro528Alafs (NM_000118.4); c.1036_1037del, p.Pro346fs (NM_001278138.2); short protein forms P346fs, P528fs.
Identifiers: ClinVar variation 982468 (VCV000982468.3), dbSNP rs1554809253, ClinGen allele CA1139659931.

ClinVar aggregate classification (germline): Pathogenic (1 of 4 stars; one submission).

Conditions:
Telangiectasia, hereditary hemorrhagic, type 1 (HHT1). Also called: Osler Weber Rendu syndrome type 1; ENG-Related Hereditary Hemorrhagic Telangiectasia. Identifiers: Orphanet 774, MedGen C4551861, MONDO:0008535, OMIM 187300. Disease mechanism: loss of function.

Submission:

NIHR Bioresource Rare Diseases, University of Cambridge
Classification: Pathogenic for Telangiectasia, hereditary hemorrhagic, type 1. Last evaluated: 2018-01-01. Review status: criteria provided, single submitter. Criteria: ACMG Guidelines, 2015. Collection method: research. Allele origin: unknown. Affected: yes. Observed: 1 variant allele.
Comment: PVS1+PM2+PP4

Literature cited by the submitters: PubMed 32573726.